The following is an entry in ClinVar:

ClinVar aggregate classification (germline): Uncertain significance (1 of 4 stars; one submission).

Conditions:
Severe myoclonic epilepsy in infancy (DRVT). Also called: SEVERE MYOCLONIC EPILEPSY OF INFANCY; DEVELOPMENTAL AND EPILEPTIC ENCEPHALOPATHY 6A; Severe Myoclonic Epilepsy in Infancy (SMEI); Epileptic encephalopathy, early infantile, 6 (Dravet syndrome); Dravet syndrome. Identifiers: Orphanet 33069, MedGen C0751122, MONDO:0100135, OMIM 607208.

Allele frequency attached by ClinVar (database versions not stated): ExAC 0.00001; gnomAD 0.00001.
gnomAD v4.1: 9 of 1,613,964 alleles (0.00056%); highest among the groups gnomAD compares: Admixed American, 0.0017%; no homozygotes.

Submission:

Labcorp Genetics (formerly Invitae), Labcorp
Classification: Uncertain significance for Severe myoclonic epilepsy in infancy. Last evaluated: 2022-08-20. Review status: criteria provided, single submitter. Criteria: Invitae Variant Classification Sherloc (09022015). Collection method: clinical testing. Allele origin: germline.
Comment: This sequence change replaces glutamic acid, which is acidic and polar, with lysine, which is basic and polar, at codon 520 of the SNX27 protein (p.Glu520Lys). This variant is present in population databases (rs758007130, gnomAD 0.002%). This variant has not been reported in the literature in individuals affected with SNX27-related conditions. Algorithms developed to predict the effect of missense changes on protein structure and function are either unavailable or do not agree on the potential impact of this missense change (SIFT: "Deleterious"; PolyPhen-2: "Probably Damaging"; Align-GVGD: "Class C0"). In summary, the available evidence is currently insufficient to determine the role of this variant in disease. Therefore, it has been classified as a Variant of Uncertain Significance.

NM_001330723.2(SNX27):c.1558G>A (p.Glu520Lys)

Gene: SNX27 (sorting nexin 27; plus strand). Cytogenetic location: 1q21.3.
Variant type: single nucleotide variant.
Coding change: c.1558G>A on transcript NM_001330723.2 (MANE Select); coding-DNA position 1558, G replaced by A.
Protein change: p.Glu520Lys; replaces glutamic acid 520 with lysine.
Molecular consequence: missense variant.
Genome position (GRCh38, 1-based): chr1:151,693,463, G>A. VCF-style: chr1-151693463-G-A. GRCh37 (hg19) VCF-style: chr1-151665939-G-A.
Other names: c.1558G>A, p.Glu520Lys (NM_030918.6); short protein forms E520K.
Identifiers: ClinVar variation 1717204 (VCV001717204.6), dbSNP rs758007130, ClinGen allele CA1093716.
Genomic context (GRCh38, chr1:151,693,463, plus strand): 5'-TGTCACCACCTTTTTTTTCAGTTCAATTACATGCATGAGTGCTTCGAGAGGGTGTTCTGC[G>A]AGCTCAAGTGGAGAAAAGAGGTAATTCTGAACAGTCCTTGAATTGACCTTTTCATCTTTT-3'
Protein context (NP_001317652.1, residues 510-530): MHECFERVFC[Glu520Lys]LKWRKENIFQ